The following is an entry in ClinVar:

ClinVar aggregate classification (germline): Uncertain significance (1 of 4 stars; one submission).

Submission:

Women's Health and Genetics/Laboratory Corporation of America, LabCorp
Classification: Uncertain significance. Last evaluated: 2025-09-02. Review status: criteria provided, single submitter. Criteria: LabCorp Variant Classification Summary - May 2015. Collection method: clinical testing. Allele origin: germline.
Comment: Variant summary: VWF c.3962A>C (p.Tyr1321Ser) results in a non-conservative amino acid change in the encoded protein sequence. Algorithms developed to predict the effect of missense changes on protein structure and function all suggest that this variant is likely to be disruptive. The variant was absent in 250858 control chromosomes. The available data on variant occurrences in the general population are insufficient to allow any conclusion about variant significance. To our knowledge, no occurrence of c.3962A>C in individuals affected with VWF-related conditions and no experimental evidence demonstrating its impact on protein function have been reported. No submitters have cited clinical-significance assessments for this variant to ClinVar. Based on the evidence outlined above, the variant was classified as uncertain significance.

NM_000552.5(VWF):c.3962A>C (p.Tyr1321Ser)

Gene: VWF (von Willebrand factor; minus strand). Cytogenetic location: 12p13.31.
Variant type: single nucleotide variant.
Coding change: c.3962A>C on transcript NM_000552.5 (MANE Select); coding-DNA position 3962, A replaced by C.
Protein change: p.Tyr1321Ser; replaces tyrosine 1321 with serine.
Molecular consequence: missense variant.
Genome position (GRCh38, 1-based): chr12:6,019,456, T>G on the plus strand (A>C on the coding strand, the complement: VWF is on the minus strand). VCF-style: chr12-6019456-T-G. GRCh37 (hg19) VCF-style: chr12-6128622-T-G.
Other names: short protein forms Y1321S.
Identifiers: ClinVar variation 4535900 (VCV004535900.1).